The following is an entry in ClinVar:

ClinVar aggregate classification (germline): Uncertain significance. Review status: criteria provided, multiple submitters, no conflicts (2 of 4 stars). 2 submissions from 2 submitters: Uncertain significance (2). Last evaluated 2022-12-21.

Conditions:
Familial thoracic aortic aneurysm and aortic dissection (TAAD). Also called: Thoracic aortic aneurysms and dissections. Identifiers: Orphanet 91387, MedGen C4707243, MONDO:0019625.
Ehlers-Danlos syndrome, classic type, 1 (EDSCL1). Also called: Ehlers-Danlos syndrome, type 1; Ehlers-Danlos Syndrome, Classic Type, COL5A1-Related; EDS I; EHLERS-DANLOS SYNDROME, GRAVIS TYPE; EHLERS-DANLOS SYNDROME, SEVERE CLASSIC TYPE. Identifiers: MedGen C0268335, MONDO:0019567, OMIM 130000.

Allele frequency attached by ClinVar (database versions not stated): gnomAD exomes below 0.00001; ExAC 0.00001.
gnomAD v4.1: 1 of 1,607,574 alleles (0.000062%); highest among the groups gnomAD compares: East Asian, 0.0022%; no homozygotes.

Submissions (2):

Labcorp Genetics (formerly Invitae), Labcorp
Classification: Uncertain significance for Ehlers-Danlos syndrome, classic type, 1. Last evaluated: 2022-12-21. Review status: criteria provided, single submitter. Criteria: Invitae Variant Classification Sherloc (09022015). Collection method: clinical testing. Allele origin: germline.
Comment: The frequency data for this variant in the population databases is considered unreliable, as metrics indicate poor data quality at this position in the gnomAD database. This sequence change replaces serine, which is neutral and polar, with glycine, which is neutral and non-polar, at codon 1165 of the COL5A2 protein (p.Ser1165Gly). This variant has not been reported in the literature in individuals affected with COL5A2-related conditions. ClinVar contains an entry for this variant (Variation ID: 1731960). Advanced modeling of protein sequence and biophysical properties (such as structural, functional, and spatial information, amino acid conservation, physicochemical variation, residue mobility, and thermodynamic stability) performed at Invitae indicates that this missense variant is not expected to disrupt COL5A2 protein function. In summary, the available evidence is currently insufficient to determine the role of this variant in disease. Therefore, it has been classified as a Variant of Uncertain Significance.

Ambry Genetics
Classification: Uncertain significance for Familial thoracic aortic aneurysm and aortic dissection. Last evaluated: 2022-01-26. Review status: criteria provided, single submitter. Criteria: Ambry Variant Classification Scheme 2023. Collection method: clinical testing. Allele origin: germline.
Comment: The p.S1165G variant (also known as c.3493A>G), located in coding exon 49 of the COL5A2 gene, results from an A to G substitution at nucleotide position 3493. The serine at codon 1165 is replaced by glycine, an amino acid with similar properties. This amino acid position is not well conserved in available vertebrate species. In addition, this alteration is predicted to be tolerated by in silico analysis. Since supporting evidence is limited at this time, the clinical significance of this alteration remains unclear.

NM_000393.5(COL5A2):c.3493A>G (p.Ser1165Gly)

Gene: COL5A2 (collagen type V alpha 2 chain; minus strand). Cytogenetic location: 2q32.2.
Variant type: single nucleotide variant.
Coding change: c.3493A>G on transcript NM_000393.5 (MANE Select); coding-DNA position 3493, A replaced by G.
Protein change: p.Ser1165Gly; replaces serine 1165 with glycine.
Molecular consequence: missense variant.
Genome position (GRCh38, 1-based): chr2:189,042,752, T>C on the plus strand (A>G on the coding strand, the complement: COL5A2 is on the minus strand). VCF-style: chr2-189042752-T-C. GRCh37 (hg19) VCF-style: chr2-189907478-T-C.
Other names: short protein forms S1165G.
Identifiers: ClinVar variation 1731960 (VCV001731960.5), dbSNP rs750486580, ClinGen allele CA2021985.